The following is an entry in ClinVar:

ClinVar aggregate classification (germline): Uncertain significance (0 of 4 stars; one submission).

Allele frequency attached by ClinVar (database versions not stated): TOPMed 0.00001; ExAC 0.00002; gnomAD exomes 0.00004.
gnomAD v4.1: 62 of 1,614,096 alleles (0.0038%); highest among the groups gnomAD compares: Non-Finnish European, 0.0052%; no homozygotes.

Submission:

Genetic Services Laboratory, University of Chicago
Classification: Uncertain significance. Last evaluated: 2022-07-27. Review status: no assertion criteria provided. Collection method: clinical testing. Allele origin: germline. Affected: no.
Comment: DNA sequence analysis of the DOCK8 gene demonstrated a sequence change, c.2066C>T, in exon 18 that results in an amino acid change, p.Ala689Val. This sequence change does not appear to have been previously described in individuals with DOCK8-related disorders. This sequence change has been described in the gnomAD database with a frequency of 0.005% in the European subpopulation (dbSNP rs754228154). The p.Ala689Val change affects a moderately conserved amino acid residue located in a domain of the DOCK8 protein that is not known to be functional. The p.Ala689Val substitution appears to be benign using several in-silico pathogenicity prediction tools (SIFT, PolyPhen2, Align GVGD, REVEL). Due to insufficient evidences and the lack of functional studies, the clinical significance of the p.Ala689Val change remains unknown at this time.

NM_203447.4(DOCK8):c.2066C>T (p.Ala689Val)

Gene: DOCK8 (dedicator of cytokinesis 8; plus strand). Cytogenetic location: 9p24.3.
Variant type: single nucleotide variant.
Coding change: c.2066C>T on transcript NM_203447.4 (MANE Select); coding-DNA position 2066, C replaced by T.
Protein change: p.Ala689Val; replaces alanine 689 with valine.
Molecular consequence: missense variant.
Genome position (GRCh38, 1-based): chr9:372,243, C>T. VCF-style: chr9-372243-C-T. GRCh37 (hg19) VCF-style: chr9-372243-C-T.
Other names: c.1862C>T, p.Ala621Val (NM_001190458.2, NM_001193536.2); short protein forms A621V, A689V.
Identifiers: ClinVar variation 2443115 (VCV002443115.2), dbSNP rs754228154, ClinGen allele CA4958060.